The following is an entry in ClinVar:

ClinVar aggregate classification (germline): Conflicting classifications of pathogenicity. Review status: criteria provided, conflicting classifications (1 of 4 stars). 4 submissions from 4 submitters: Uncertain significance (3); Likely benign (1). Last evaluated 2024-04-07.

Conditions:
Hereditary breast ovarian cancer syndrome. Also called: BRCA1- and BRCA2-Associated Hereditary Breast and Ovarian Cancer; Hereditary breast and ovarian cancer syndrome; Hereditary breast and/or ovarian cancer syndrome; Hereditary breast and ovarian cancer syndrome (HBOC); Hereditary breast and ovarian cancer; Breast and ovarian cancer. Identifiers: Orphanet 145, MedGen C0677776, MeSH D061325, MONDO:0003582. Disease mechanism: loss of function.
Hereditary cancer-predisposing syndrome. Also called: Hereditary neoplastic syndrome; Neoplastic Syndromes, Hereditary; Hereditary Cancer Syndrome; Tumor predisposition. Identifiers: Orphanet 140162, MedGen C0027672, MeSH D009386, MONDO:0015356.

Submissions (4):

Ambry Genetics
Classification: Uncertain significance for Hereditary cancer-predisposing syndrome. Last evaluated: 2024-04-07. Review status: criteria provided, single submitter. Criteria: Ambry Variant Classification Scheme 2023. Collection method: clinical testing. Allele origin: germline.
Comment: The p.G664W variant (also known as c.1990G>T), located in coding exon 10 of the BRCA2 gene, results from a G to T substitution at nucleotide position 1990. The glycine at codon 664 is replaced by tryptophan, an amino acid with highly dissimilar properties. This amino acid position is conserved. In addition, the in silico prediction for this alteration is inconclusive. Based on the available evidence, the clinical significance of this variant remains unclear.

University of Washington Department of Laboratory Medicine, University of Washington
Classification: Likely benign for Hereditary cancer-predisposing syndrome. Last evaluated: 2023-03-23. Review status: criteria provided, single submitter. Criteria: Dines et al. (Genet Med. 2020). Collection method: curation. Allele origin: germline.
Comment: Missense variant in a coldspot region where missense variants are very unlikely to be pathogenic (PMID:31911673).

BRCA2 exon 11 coldspot. Reclassification based on statistical prior probability.

Blueprint Genetics
Classification: Uncertain significance. Last evaluated: 2022-09-08. Review status: criteria provided, single submitter. Criteria: ACMG Guidelines, 2015. Collection method: clinical testing. Allele origin: germline.

Labcorp Genetics (formerly Invitae), Labcorp
Classification: Uncertain significance for Hereditary breast ovarian cancer syndrome. Last evaluated: 2017-03-07. Review status: criteria provided, single submitter. Criteria: Invitae Variant Classification Sherloc (09022015). Collection method: clinical testing. Allele origin: germline.
Comment: Algorithms developed to predict the effect of missense changes on protein structure and function do not agree on the potential impact of this missense change (SIFT: "Deleterious"; PolyPhen-2: "Probably Damaging"; Align-GVGD: "Class C0"). This variant is not present in population databases (ExAC no frequency) and has not been reported in the literature in individuals with a BRCA2-related disease. This sequence change replaces glycine with tryptophan at codon 664 of the BRCA2 protein (p.Gly664Trp). The glycine residue is weakly conserved and there is a large physicochemical difference between glycine and tryptophan. In summary, this variant is a novel missense change with uncertain impact on protein function. It has been classified as a Variant of Uncertain Significance.

NM_000059.4(BRCA2):c.1990G>T (p.Gly664Trp)

Gene: BRCA2 (BRCA2 DNA repair associated; plus strand). Cytogenetic location: 13q13.1.
Variant type: single nucleotide variant.
Coding change: c.1990G>T on transcript NM_000059.4 (MANE Select); coding-DNA position 1990, G replaced by T.
Protein change: p.Gly664Trp; replaces glycine 664 with tryptophan.
Molecular consequence: missense variant.
Genome position (GRCh38, 1-based): chr13:32,336,345, G>T. VCF-style: chr13-32336345-G-T. GRCh37 (hg19) VCF-style: chr13-32910482-G-T.
Other names: short protein forms G664W.
Identifiers: ClinVar variation 462251 (VCV000462251.12), dbSNP rs1346252146, ClinGen allele CA387768650.